The following is an entry in ClinVar:

NM_052865.4(MGME1):c.270A>G (p.Gln90=)

Genes: MGME1 (mitochondrial genome maintenance exonuclease 1; plus strand), LOC126862983 (CDK7 strongly-dependent group 2 enhancer GRCh37_chr20:17950167-17951366; plus strand). Cytogenetic location: 20p11.23.
Variant type: single nucleotide variant.
Coding change: c.270A>G on transcript NM_052865.4 (MANE Select); coding-DNA position 270, A replaced by G.
Protein change: p.Gln90=; no amino-acid change (glutamine 90 retained).
Molecular consequence: synonymous variant.
Genome position (GRCh38, 1-based): chr20:17,970,129, A>G. VCF-style: chr20-17970129-A-G. GRCh37 (hg19) VCF-style: chr20-17950772-A-G.
Other names: c.270A>G, p.Gln90= (NM_001310338.2, NM_001310339.2, NM_001363738.2).
Identifiers: ClinVar variation 380551 (VCV000380551.13), dbSNP rs73107120, ClinGen allele CA9774903.

ClinVar aggregate classification (germline): Benign. Review status: criteria provided, multiple submitters, no conflicts (2 of 4 stars). 4 submissions from 4 submitters: Benign (3). 1 of the submissions does not count toward it. Last evaluated 2026-02-01.

Allele frequency attached by ClinVar (database versions not stated): 1000 Genomes Project 0.00619; 1000 Genomes Project 30x 0.00640; TOPMed 0.01525; gnomAD 0.01653 and 0.01714; gnomAD exomes 0.01710 and 0.02272; ExAC 0.01779; ESP Exome Variant Server 0.01991.
gnomAD v4.1: 35,422 of 1,614,224 alleles (2.2%); highest among the groups gnomAD compares: Non-Finnish European, 2.7%; 459 homozygotes.

Submissions (4):

Labcorp Genetics (formerly Invitae), Labcorp
Classification: Benign. Last evaluated: 2026-02-01. Review status: criteria provided, single submitter. Criteria: Invitae Variant Classification Sherloc (09022015). Collection method: clinical testing. Allele origin: germline.

GeneDx
Classification: Benign. Last evaluated: 2016-06-23. Review status: criteria provided, single submitter. Criteria: GeneDx Variant Classification (06012015). Collection method: clinical testing. Allele origin: germline. Affected: yes.
Comment: This variant is considered likely benign or benign based on one or more of the following criteria: it is a conservative change, it occurs at a poorly conserved position in the protein, it is predicted to be benign by multiple in silico algorithms, and/or has population frequency not consistent with disease.

Breakthrough Genomics
Classification: Benign. Review status: criteria provided, single submitter. Criteria: ACMG Guidelines, 2015. Collection method: not provided. Allele origin: germline. Inheritance: Autosomal recessive inheritance. Affected: yes.

Mayo Clinic Laboratories, Mayo Clinic
Classification: Benign. Last evaluated: 2016-02-19. Review status: no assertion criteria provided. Collection method: clinical testing. Allele origin: unknown. Not counted in ClinVar's aggregate classification.